The following is an entry in ClinVar:

ClinVar aggregate classification (germline): Uncertain significance. Review status: criteria provided, multiple submitters, no conflicts (2 of 4 stars). 2 submissions from 2 submitters: Uncertain significance (2). Last evaluated 2024-12-02.

Conditions:
Hereditary breast ovarian cancer syndrome. Also called: BRCA1- and BRCA2-Associated Hereditary Breast and Ovarian Cancer; Hereditary breast and ovarian cancer; Hereditary breast and ovarian cancer syndrome (HBOC); Hereditary breast and ovarian cancer syndrome; Hereditary breast and/or ovarian cancer syndrome; Breast and ovarian cancer. Identifiers: Orphanet 145, MedGen C0677776, MeSH D061325, MONDO:0003582. Disease mechanism: loss of function.
Hereditary cancer-predisposing syndrome. Also called: Neoplastic Syndromes, Hereditary; Tumor predisposition; Hereditary neoplastic syndrome; Hereditary Cancer Syndrome. Identifiers: Orphanet 140162, MedGen C0027672, MeSH D009386, MONDO:0015356.

Submissions (2):

Ambry Genetics
Classification: Uncertain significance for Hereditary cancer-predisposing syndrome. Last evaluated: 2024-12-02. Review status: criteria provided, single submitter. Criteria: Ambry Variant Classification Scheme 2023. Collection method: clinical testing. Allele origin: germline.
Comment: The p.R610S variant (also known as c.1830G>T), located in coding exon 9 of the BRCA1 gene, results from a G to T substitution at nucleotide position 1830. The arginine at codon 610 is replaced by serine, an amino acid with dissimilar properties. This amino acid position is not well conserved in available vertebrate species. In addition, the in silico prediction for this alteration is inconclusive. Based on the available evidence, the clinical significance of this variant remains unclear.

Labcorp Genetics (formerly Invitae), Labcorp
Classification: Uncertain significance for Hereditary breast ovarian cancer syndrome. Last evaluated: 2023-06-09. Review status: criteria provided, single submitter. Criteria: Invitae Variant Classification Sherloc (09022015). Collection method: clinical testing. Allele origin: germline.
Comment: In summary, the available evidence is currently insufficient to determine the role of this variant in disease. Therefore, it has been classified as a Variant of Uncertain Significance. Advanced modeling of protein sequence and biophysical properties (such as structural, functional, and spatial information, amino acid conservation, physicochemical variation, residue mobility, and thermodynamic stability) performed at Invitae indicates that this missense variant is not expected to disrupt BRCA1 protein function. This variant has not been reported in the literature in individuals affected with BRCA1-related conditions. This variant is not present in population databases (gnomAD no frequency). This sequence change replaces arginine, which is basic and polar, with serine, which is neutral and polar, at codon 610 of the BRCA1 protein (p.Arg610Ser).

NM_007294.4(BRCA1):c.1830G>T (p.Arg610Ser)

Gene: BRCA1 (BRCA1 DNA repair associated; minus strand). Cytogenetic location: 17q21.31.
Variant type: single nucleotide variant.
Coding change: c.1830G>T on transcript NM_007294.4 (MANE Select); coding-DNA position 1830, G replaced by T.
Protein change: p.Arg610Ser; replaces arginine 610 with serine.
Molecular consequence: missense variant. On other transcripts: intron variant (137).
Genome position (GRCh38, 1-based): chr17:43,093,701, C>A on the plus strand (G>T on the coding strand, the complement: BRCA1 is on the minus strand). VCF-style: chr17-43093701-C-A. GRCh37 (hg19) VCF-style: chr17-41245718-C-A.
Other names: c.1752G>T, p.Arg584Ser (NM_001407655.1, NM_001407656.1, NM_001407657.1 and 4 more transcripts); c.1749G>T, p.Arg583Ser (NM_001407659.1, NM_001407660.1, NM_001407661.1 and 1 more transcripts); c.1707G>T, p.Arg569Ser (NM_001407676.1, NM_001407677.1, NM_001407678.1 and 19 more transcripts); c.1704G>T, p.Arg568Ser (NM_001407670.1, NM_001407671.1, NM_001407672.1 and 11 more transcripts); c.1494G>T, p.Arg498Ser (NM_001407955.1, NM_001407956.1, NM_001407958.1 and 1 more transcripts); c.1497G>T, p.Arg499Ser (NM_001407957.1, NM_001407946.1, NM_001407947.1 and 6 more transcripts); c.1449G>T, p.Arg483Ser (NM_001407959.1, NM_001407960.1, NM_001407963.1); c.1446G>T, p.Arg482Ser (NM_001407962.1); and 40 more; short protein forms R442S, R499S, R540S, R562S, R569S, R584S, R483S, R583S.
Identifiers: ClinVar variation 2700123 (VCV002700123.4), dbSNP rs587780796, ClinGen allele CA10598355.